The following is an entry in ClinVar:

NM_001077350.3(NPRL3):c.761C>T (p.Ala254Val)

Genes: HBA-LCR (alpha-globin locus control region; plus strand), NPRL3 (NPR3 like, GATOR1 complex subunit; minus strand). Cytogenetic location: 16p13.3.
Variant type: single nucleotide variant.
Coding change: c.761C>T on transcript NM_001077350.3 (MANE Select); coding-DNA position 761, C replaced by T.
Protein change: p.Ala254Val; replaces alanine 254 with valine.
Molecular consequence: missense variant.
Genome position (GRCh38, 1-based): chr16:100,378, G>A on the plus strand (C>T on the coding strand, the complement: NPRL3 is on the minus strand). VCF-style: chr16-100378-G-A. GRCh37 (hg19) VCF-style: chr16-150376-G-A.
Other names: c.224C>T, p.Ala75Val (NM_001039476.3); c.527C>T, p.Ala176Val (NM_001243247.2); c.686C>T, p.Ala229Val (NM_001243248.2, NM_001243249.2); short protein forms A254V, A75V, A176V, A229V.
Identifiers: ClinVar variation 1041759 (VCV001041759.6), dbSNP rs1899225654, ClinGen allele CA393990636.

ClinVar aggregate classification (germline): Uncertain significance (1 of 4 stars; one submission).

Conditions:
Epilepsy, familial focal, with variable foci 3 (FFEVF3). Identifiers: MedGen C4310708, MONDO:0014925, OMIM 617118.

Submission:

Labcorp Genetics (formerly Invitae), Labcorp
Classification: Uncertain significance for Epilepsy, familial focal, with variable foci 3. Last evaluated: 2020-12-24. Review status: criteria provided, single submitter. Criteria: Invitae Variant Classification Sherloc (09022015). Collection method: clinical testing. Allele origin: germline.
Comment: In summary, the available evidence is currently insufficient to determine the role of this variant in disease. Therefore, it has been classified as a Variant of Uncertain Significance. Experimental studies and prediction algorithms are not available or were not evaluated, and the functional significance of this variant is currently unknown. This variant has not been reported in the literature in individuals with NPRL3-related conditions. This variant is not present in population databases (ExAC no frequency). This sequence change replaces alanine with valine at codon 254 of the NPRL3 protein (p.Ala254Val). The alanine residue is moderately conserved and there is a small physicochemical difference between alanine and valine.